The following is an entry in ClinVar:

ClinVar aggregate classification (germline): Uncertain significance (1 of 4 stars; one submission).

Allele frequency attached by ClinVar (database versions not stated): TOPMed below 0.00001; gnomAD exomes 0.00001; ExAC 0.00002.
gnomAD v4.1: 3 of 1,612,930 alleles (0.00019%); highest among the groups gnomAD compares: Admixed American, 0.005%; no homozygotes.

Submission:

Labcorp Genetics (formerly Invitae), Labcorp
Classification: Uncertain significance. Last evaluated: 2021-10-21. Review status: criteria provided, single submitter. Criteria: Invitae Variant Classification Sherloc (09022015). Collection method: clinical testing. Allele origin: germline.
Comment: This sequence change replaces alanine with valine at codon 1387 of the SBF1 protein (p.Ala1387Val). The alanine residue is weakly conserved and there is a small physicochemical difference between alanine and valine. This variant is present in population databases (rs774239461, ExAC 0.02%). This variant has not been reported in the literature in individuals affected with SBF1-related conditions. Algorithms developed to predict the effect of missense changes on protein structure and function (SIFT, PolyPhen-2, Align-GVGD) all suggest that this variant is likely to be tolerated. Algorithms developed to predict the effect of sequence changes on RNA splicing suggest that this variant may create or strengthen a splice site. In summary, the available evidence is currently insufficient to determine the role of this variant in disease. Therefore, it has been classified as a Variant of Uncertain Significance.

NM_002972.4(SBF1):c.4160C>T (p.Ala1387Val)

Gene: SBF1 (SET binding factor 1; minus strand). Cytogenetic location: 22q13.33.
Variant type: single nucleotide variant.
Coding change: c.4160C>T on transcript NM_002972.4 (MANE Select); coding-DNA position 4160, C replaced by T.
Protein change: p.Ala1387Val; replaces alanine 1387 with valine.
Molecular consequence: missense variant.
Genome position (GRCh38, 1-based): chr22:50,456,322, G>A on the plus strand (C>T on the coding strand, the complement: SBF1 is on the minus strand). VCF-style: chr22-50456322-G-A. GRCh37 (hg19) VCF-style: chr22-50894751-G-A.
Other names: c.4085C>T, p.Ala1362Val (NM_001365819.1); short protein forms A1387V, A1362V.
Identifiers: ClinVar variation 1374540 (VCV001374540.3), dbSNP rs774239461, ClinGen allele CA10316367.
Genomic context (GRCh38, chr22:50,456,322, plus strand): 5'-GGGCTGGGCTCAGCAGCGGGGCAGCCTGGGACACATGCTTTCAGCAGCTTCTTGAAGCTA[G>A]CCTTCACCTGCCGTGCCTCGAATACCTCAATGGGCACCAGCTCCCACTGCTGCAGGGGGT-3'
Protein context (NP_002963.2, residues 1377-1397): IEVFEARQVK[Ala1387Val]SFKKLLKACV